The following is an entry in ClinVar:

NM_006379.5(SEMA3C):c.975T>C (p.Phe325=)

Gene: SEMA3C (semaphorin 3C; minus strand). Cytogenetic location: 7q21.11.
Variant type: single nucleotide variant.
Coding change: c.975T>C on transcript NM_006379.5 (MANE Select); coding-DNA position 975, T replaced by C.
Protein change: p.Phe325=; no amino-acid change (phenylalanine 325 retained).
Molecular consequence: synonymous variant.
Genome position (GRCh38, 1-based): chr7:80,800,768, A>G on the plus strand (T>C on the coding strand, the complement: SEMA3C is on the minus strand). VCF-style: chr7-80800768-A-G. GRCh37 (hg19) VCF-style: chr7-80430084-A-G.
Other names: c.1029T>C, p.Phe343= (NM_001350120.2); c.801T>C, p.Phe267= (NM_001350121.2).
Identifiers: ClinVar variation 4990895 (VCV004990895.1).

ClinVar aggregate classification (germline): Likely benign (1 of 4 stars; one submission).

Conditions:
SEMA3C-related disorder. Also called: SEMA3C-related condition.

Submission:

PreventionGenetics, part of Exact Sciences
Classification: Likely benign for SEMA3C-related condition. Last evaluated: 2025-08-21. Review status: criteria provided, single submitter. Criteria: ACMG Guidelines, 2015. Collection method: clinical testing. Allele origin: germline.
Comment: This variant is classified as likely benign based on ACMG/AMP sequence variant interpretation guidelines (Richards et al. 2015 PMID: 25741868, with internal and published modifications).